The following is an entry in ClinVar:

ClinVar aggregate classification (germline): Uncertain significance (1 of 4 stars; one submission).

Submission:

Labcorp Genetics (formerly Invitae), Labcorp
Classification: Uncertain significance. Last evaluated: 2022-08-16. Review status: criteria provided, single submitter. Criteria: Invitae Variant Classification Sherloc (09022015). Collection method: clinical testing. Allele origin: germline.
Comment: This variant, c.1428_1436del, results in the deletion of 3 amino acid(s) of the SLC20A2 protein (p.Glu476_Lys478del), but otherwise preserves the integrity of the reading frame. In summary, the available evidence is currently insufficient to determine the role of this variant in disease. Therefore, it has been classified as a Variant of Uncertain Significance. Experimental studies and prediction algorithms are not available or were not evaluated, and the functional significance of this variant is currently unknown. This variant has not been reported in the literature in individuals affected with SLC20A2-related conditions. This variant is present in population databases (rs746548440, gnomAD 0.03%).

NM_001257180.2(SLC20A2):c.1419GGAGAAGGA[1] (p.473EEK[1])

Gene: SLC20A2 (solute carrier family 20 member 2; minus strand). Cytogenetic location: 8p11.21.
Variant type: Microsatellite.
Coding change: c.1419GGAGAAGGA[1] on transcript NM_001257180.2 (MANE Select); one copy of the 9-base unit GGAGAAGGA starting at c.1419; the reference has two copies in a row; one copy, 9 bases deleted.
Protein change: p.473EEK[1].
Molecular consequence: inframe deletion.
Genome position (GRCh38, 1-based): chr8:42,437,076-42,437,084, TCCTTCTCC deleted on the plus strand (GGAGAAGGA on the coding strand, the reverse complement: SLC20A2 is on the minus strand); deleting any 9 consecutive bases within chr8:42,437,076-42,437,097 gives the same sequence; the position shown is the placement nearest the transcript's 3' end. VCF-style (leftmost placement, unchanged base first): chr8-42437075-GTCCTTCTCC-G. GRCh37 (hg19) VCF-style: chr8-42294593-GTCCTTCTCC-G.
Other names: c.1419GGAGAAGGA[1], p.473EEK[1] (NM_001257181.2, NM_006749.5).
Identifiers: ClinVar variation 2419883 (VCV002419883.6), dbSNP rs746548440, ClinGen allele CA4733315.